The following is an entry in ClinVar:

ClinVar aggregate classification (germline): Uncertain significance (1 of 4 stars; one submission).

gnomAD v4.1: 3 of 1,614,118 alleles (0.00019%); highest among the groups gnomAD compares: Non-Finnish European, 0.00025%; no homozygotes.

Submission:

GeneDx
Classification: Uncertain significance. Last evaluated: 2025-06-17. Review status: criteria provided, single submitter. Criteria: GeneDx Variant Classification Process June 2021. Collection method: clinical testing. Allele origin: germline. Affected: yes.
Comment: Not observed at significant frequency in large population cohorts (gnomAD); In silico analysis suggests that this missense variant does not alter protein structure/function; Has not been previously published as pathogenic or benign to our knowledge

NM_005909.5(MAP1B):c.5899C>G (p.Pro1967Ala)

Gene: MAP1B (microtubule associated protein 1B; plus strand). Cytogenetic location: 5q13.2.
Variant type: single nucleotide variant.
Coding change: c.5899C>G on transcript NM_005909.5 (MANE Select); coding-DNA position 5899, C replaced by G.
Protein change: p.Pro1967Ala; replaces proline 1967 with alanine.
Molecular consequence: missense variant.
Genome position (GRCh38, 1-based): chr5:72,199,254, C>G. VCF-style: chr5-72199254-C-G. GRCh37 (hg19) VCF-style: chr5-71495081-C-G.
Other names: c.5521C>G, p.Pro1841Ala (NM_001324255.2); short protein forms P1841A, P1967A.
Identifiers: ClinVar variation 4538840 (VCV004538840.1).